The following is an entry in ClinVar:

NM_001042492.3(NF1):c.5269-41_5291del

Gene: NF1 (neurofibromin 1; plus strand). Cytogenetic location: 17q11.2.
Variant type: Deletion.
Coding change: c.5269-41_5291del on transcript NM_001042492.3 (MANE Select); 41 bases into the intron before coding-DNA position 5269 through coding-DNA position 5291, 64 bases deleted.
Molecular consequence: splice acceptor variant.
Genome position (GRCh38, 1-based): chr17:31,327,458-31,327,521, 64 bases deleted. GRCh37 (hg19): chr17:29,654,476-29,654,539.
Other names: c.5206-41_5228del (NM_000267.4).
Identifiers: ClinVar variation 457747 (VCV000457747.5), dbSNP rs1555533543, ClinGen allele CA658658548.

ClinVar aggregate classification (germline): Pathogenic (1 of 4 stars; one submission).

Conditions:
Neurofibromatosis, type 1 (NF1). Also called: VON RECKLINGHAUSEN DISEASE; NEUROFIBROMATOSIS, TYPE I, SOMATIC; Peripheral type neurofibromatosis; Neurofibromatosis, type I. Identifiers: Orphanet 636, MedGen C0027831, MONDO:0018975, OMIM 162200. Disease mechanism: loss of function.

Submission:

Labcorp Genetics (formerly Invitae), Labcorp
Classification: Pathogenic for Neurofibromatosis, type 1. Last evaluated: 2017-06-22. Review status: criteria provided, single submitter. Criteria: Invitae Variant Classification Sherloc (09022015). Collection method: clinical testing. Allele origin: germline.
Comment: While this particular variant has not been reported in the literature, loss-of-function variants in NF1 are known to be pathogenic (PMID: 10712197, 23913538). A single nucleotide change affecting the acceptor splice site, c.5206-1G>A, has been classified as pathogenic (Invitae). In addition, a smaller deletion c.5206-5_5220del has been reported in an individual suspected with NF1 (PMID: 23758643). This suggests that the deleted region is important for normal RNA splicing, and that other variants at this position may also be pathogenic. For these reasons, this variant has been classified as Pathogenic. This sequence change affects an acceptor splice site in intron 36 and removes the first 23 nucleotides of exon 37 of the NF1 gene. It is expected to disrupt RNA splicing and likely results in an absent or disrupted protein product.

Literature cited by the submitters: PubMed 10712197; PubMed 23913538; PubMed 23758643.